The following is an entry in ClinVar:

ClinVar aggregate classification (germline): Uncertain significance (1 of 4 stars; one submission).

Allele frequency attached by ClinVar (database versions not stated): gnomAD exomes 0.00001; TOPMed 0.00001.
gnomAD v4.1: 13 of 1,555,544 alleles (0.00084%); highest among the groups gnomAD compares: Middle Eastern, 0.017%; 1 homozygote.

Submission:

Labcorp Genetics (formerly Invitae), Labcorp
Classification: Uncertain significance. Last evaluated: 2022-11-28. Review status: criteria provided, single submitter. Criteria: Invitae Variant Classification Sherloc (09022015). Collection method: clinical testing. Allele origin: germline.
Comment: This sequence change replaces proline, which is neutral and non-polar, with leucine, which is neutral and non-polar, at codon 529 of the LIG1 protein (p.Pro529Leu). The frequency data for this variant in the population databases is considered unreliable, as metrics indicate poor data quality at this position in the gnomAD database. This missense change has been observed in individual(s) with clinical features of severe combined immunodeficiency (PMID: 30395541). ClinVar contains an entry for this variant (Variation ID: 1487366). Algorithms developed to predict the effect of missense changes on protein structure and function (SIFT, PolyPhen-2, Align-GVGD) all suggest that this variant is likely to be tolerated. Experimental studies are conflicting or provide insufficient evidence to determine the effect of this variant on LIG1 function (PMID: 30395541, 32914844, 33600799). In summary, the available evidence is currently insufficient to determine the role of this variant in disease. Therefore, it has been classified as a Variant of Uncertain Significance.

Literature cited by the submitters: PubMed 30395541; PubMed 32914844; PubMed 33600799.

NM_000234.3(LIG1):c.1586C>T (p.Pro529Leu)

Gene: LIG1 (DNA ligase 1; minus strand). Cytogenetic location: 19q13.33.
Variant type: single nucleotide variant.
Coding change: c.1586C>T on transcript NM_000234.3 (MANE Select); coding-DNA position 1586, C replaced by T.
Protein change: p.Pro529Leu; replaces proline 529 with leucine.
Molecular consequence: missense variant. On other transcripts: non-coding transcript variant (4).
Genome position (GRCh38, 1-based): chr19:48,134,004, G>A on the plus strand (C>T on the coding strand, the complement: LIG1 is on the minus strand). VCF-style: chr19-48134004-G-A. GRCh37 (hg19) VCF-style: chr19-48637261-G-A.
Other names: c.1493C>T, p.Pro498Leu (NM_001289063.2); c.1382C>T, p.Pro461Leu (NM_001289064.2); c.1583C>T, p.Pro528Leu (NM_001320970.2); c.1496C>T, p.Pro499Leu (NM_001320971.2); short protein forms P528L, P461L, P529L, P498L, P499L.
Identifiers: ClinVar variation 1487366 (VCV001487366.8), dbSNP rs776651223, ClinGen allele CA9546778.
Genomic context (GRCh38, chr19:48,134,004, plus strand): 5'-CTGCTGCCAGGCTGGTGAGCGCCCCTGGGGCCTGTACCTGGGCTCAGCTTGCAGTGCTCC[G>A]GGAGACGTTCCAGGCCGTGCTCCAGCAGCACGGGGATAATTCGGTCCAGGTCGGGAACCT-3'
Protein context (NP_000225.1, residues 519-539): VLLEHGLERL[Pro529Leu]EHCKLSPGIP